The following is an entry in ClinVar:

NM_001009944.3(PKD1):c.3165G>A (p.Trp1055Ter)

Gene: PKD1 (polycystin 1, transient receptor potential channel interacting; minus strand). Cytogenetic location: 16p13.3.
Variant type: single nucleotide variant.
Coding change: c.3165G>A on transcript NM_001009944.3 (MANE Select); coding-DNA position 3165, G replaced by A.
Protein change: p.Trp1055Ter; replaces tryptophan 1055 with a stop codon.
Molecular consequence: nonsense.
Genome position (GRCh38, 1-based): chr16:2,112,470, C>T on the plus strand (G>A on the coding strand, the complement: PKD1 is on the minus strand). VCF-style: chr16-2112470-C-T. GRCh37 (hg19) VCF-style: chr16-2162471-C-T.
Other names: c.3165G>A, p.Trp1055Ter (NM_000296.4); short protein forms W1055*.
Identifiers: ClinVar variation 1705337 (VCV001705337.2), dbSNP rs1596566550, ClinGen allele CA394383800.

ClinVar aggregate classification (germline): Pathogenic/Likely pathogenic. Review status: criteria provided, multiple submitters, no conflicts (2 of 4 stars). 2 submissions from 2 submitters: Pathogenic (1); Likely pathogenic (1). Last evaluated 2024-05-20.

Conditions:
Polycystic kidney disease, adult type (PKD1). Also called: Polycystic Kidney Disease 1, Autosomal Dominant; Polycystic kidney disease 1; Polycystic kidney disease 1, severe; Polycystic Kidney, Autosomal Dominant; POLYCYSTIC KIDNEY DISEASE 1 WITH OR WITHOUT POLYCYSTIC LIVER DISEASE; POLYCYSTIC KIDNEY DISEASE, ADULT, TYPE I. Identifiers: MedGen C3149841, MONDO:0008263, OMIM 173900.

Submissions (2):

Fulgent Genetics
Classification: Pathogenic for Polycystic kidney disease, adult type. Last evaluated: 2024-05-20. Review status: criteria provided, single submitter. Criteria: ACMG Guidelines, 2015. Collection method: clinical testing. Allele origin: germline.

3billion
Classification: Likely pathogenic for Polycystic kidney disease, adult type. Last evaluated: 2022-09-01. Review status: criteria provided, single submitter. Criteria: ACMG Guidelines, 2015. Collection method: clinical testing. Allele origin: germline. Affected: yes. Observed: 1 heterozygote.
Comment: The variant is not observed in the gnomAD v2.1.1 dataset. Stop-gained (nonsense) is predicted to result in a loss or disruption of normal protein function through nonsense-mediated decay (NMD) or protein truncation. Multiple pathogenic variants are reported downstream of the variant. Therefore, this variant is classified as Likely pathogenic according to the recommendation of ACMG/AMP guideline.